The following is an entry in ClinVar:

ClinVar aggregate classification (germline): Pathogenic (1 of 4 stars; one submission).

Submission:

Labcorp Genetics (formerly Invitae), Labcorp
Classification: Pathogenic. Last evaluated: 2022-05-27. Review status: criteria provided, single submitter. Criteria: Invitae Variant Classification Sherloc (09022015). Collection method: clinical testing. Allele origin: germline.
Comment: ClinVar contains an entry for this variant (Variation ID: 405812). This sequence change creates a premature translational stop signal (p.Leu1171Thrfs*6) in the POLE gene. It is expected to result in an absent or disrupted protein product. Loss-of-function variants in POLE are known to be pathogenic (PMID: 23230001, 25948378, 30503519). This variant is not present in population databases (gnomAD no frequency). This variant has not been reported in the literature in individuals affected with POLE-related conditions. For these reasons, this variant has been classified as Pathogenic.

Literature cited by the submitters: PubMed 23230001; PubMed 25948378; PubMed 30503519.

NM_006231.4(POLE):c.3510dup (p.Leu1171fs)

Gene: POLE (DNA polymerase epsilon, catalytic subunit; minus strand). Cytogenetic location: 12q24.33.
Variant type: Duplication.
Coding change: c.3510dup on transcript NM_006231.4 (MANE Select); coding-DNA position 3510, one base duplicated (A; older notation c.3510dupA).
Protein change: p.Leu1171fs; shifts the reading frame from leucine 1171.
Molecular consequence: frameshift variant.
Genome position (GRCh38, 1-based): chr12:132,657,208, T duplicated on the plus strand (A on the coding strand, the reverse complement: POLE is on the minus strand); the first of 6 consecutive T bases (chr12:132,657,208-132,657,213); duplicating any one gives the same sequence. VCF-style (leftmost placement, unchanged base first): chr12-132657207-G-GT. GRCh37 (hg19) VCF-style: chr12-133233793-G-GT.
Other names: c.3510dupA (NM_006231.3); short protein forms L1171fs.
Identifiers: ClinVar variation 405812 (VCV000405812.10), dbSNP rs1555225149, ClinGen allele CA16613592.
Genomic context (GRCh38, chr12:132,657,207, plus strand): 5'-CCTCCAGGGTGAAGAGCTCACTGATCTTCTTCTGCTTGTAGACATCATTCTTCTCCAGCA[G>GT]TTTTTTGTGCAGCCAGTCGGGGTGTTTGACACGTGGCACTGGGTTCTTTACCTGTGTGAG-3'